The following is an entry in ClinVar:

ClinVar aggregate classification (germline): Conflicting classifications of pathogenicity. Review status: criteria provided, conflicting classifications (1 of 4 stars). 4 submissions from 4 submitters: Uncertain significance (3); Likely benign (1). Last evaluated 2026-10-06.

Conditions:
ZNF469-related disorder. Also called: ZNF469-related condition.
Cardiovascular phenotype. Identifiers: MedGen CN230736.

Allele frequency attached by ClinVar (database versions not stated): TOPMed 0.00026.
gnomAD v4.1: 132 of 1,550,234 alleles (0.0085%); highest among the groups gnomAD compares: Non-Finnish European, 0.01%; no homozygotes.

Submissions (4):

GeneDx
Classification: Uncertain significance. Last evaluated: 2026-10-06. Review status: criteria provided, single submitter. Criteria: GeneDx Variant Classification Process June 2021. Collection method: clinical testing. Allele origin: germline.
Comment: Has not been previously published as pathogenic or benign to our knowledge; Not observed at significant frequency in large population cohorts (gnomAD); In silico analysis suggests that this missense variant does not alter protein structure/function

PreventionGenetics, part of Exact Sciences
Classification: Uncertain significance for ZNF469-related condition. Last evaluated: 2026-09-02. Review status: criteria provided, single submitter. Criteria: ACMG Guidelines, 2015. Collection method: clinical testing. Allele origin: germline.
Comment: The ZNF469 c.7754G>C variant is predicted to result in the amino acid substitution p.Arg2585Pro. To our knowledge, this variant has not been reported in the literature. This variant is reported in 0.012% of alleles in individuals of European (Non-Finnish) descent in gnomAD. At this time, the clinical significance of this variant is uncertain due to the absence of conclusive functional and genetic evidence.

Ambry Genetics
Classification: Likely benign for Cardiovascular phenotype. Last evaluated: 2024-04-24. Review status: criteria provided, single submitter. Criteria: Ambry Variant Classification Scheme 2023. Collection method: clinical testing. Allele origin: germline.

CeGaT Center for Human Genetics Tuebingen
Classification: Uncertain significance. Last evaluated: 2019-01-01. Review status: criteria provided, single submitter. Criteria: CeGaT Center For Human Genetics Tuebingen Variant Classification Criteria Version 2. Collection method: clinical testing. Allele origin: germline. Affected: yes. Observed: 1 variant allele.

NM_001367624.2(ZNF469):c.7838G>C (p.Arg2613Pro)

Gene: ZNF469 (zinc finger protein 469; plus strand). Cytogenetic location: 16q24.2.
Variant type: single nucleotide variant.
Coding change: c.7838G>C on transcript NM_001367624.2 (MANE Select); coding-DNA position 7838, G replaced by C.
Protein change: p.Arg2613Pro; replaces arginine 2613 with proline.
Molecular consequence: missense variant.
Genome position (GRCh38, 1-based): chr16:88,435,308, G>C. VCF-style: chr16-88435308-G-C. GRCh37 (hg19) VCF-style: chr16-88501716-G-C.
Other names: NM_001127464.1:c.7754G>C; NM_001127464.2:c.7754G>C; short protein forms R2613P.
Identifiers: ClinVar variation 808131 (VCV000808131.50), dbSNP rs370285147, ClinGen allele CA286383198.
Genomic context (GRCh38, chr16:88,435,308, plus strand): 5'-GACCAGACCAGGCCAGGGAAGATGAGCTGCATCCCAAACAGGCAGAAAAAAGAGAAGGCC[G>C]GAGGTGGCGCCGAGAGCCCACCGTGGACTCTCCTAGCCACTCAGAGGGGAAGTCAAATAA-3'
Protein context (NP_001354553.1, residues 2603-2623): HPKQAEKREG[Arg2613Pro]RWRREPTVDS